The following is an entry in ClinVar:

ClinVar aggregate classification (germline): Pathogenic (1 of 4 stars; one submission).

Conditions:
Maple syrup urine disease type 1A (MSUD1A). Also called: MSUD type 1A. Identifiers: MedGen C1855369, MONDO:0023691, OMIM 248600.

Submission:

Cellular and Molecular Research Center, Cellular and Molecular Medicine Research Institute,, Urmia University of Medical Sciences
Classification: Pathogenic for Maple syrup urine disease type 1A. Last evaluated: 2026-10-18. Review status: criteria provided, single submitter. Criteria: ACMG Guidelines, 2015. Collection method: clinical testing. Allele origin: germline. Inheritance: Autosomal recessive inheritance. Affected: yes. Observed: 1 variant allele, 1 homozygote.
Comment: The BCKDHA gene encodes the E1α subunit of the mitochondrial branched-chain α-ketoacid dehydrogenase complex, which is essential for the metabolism of leucine, isoleucine, and valine. Biallelic pathogenic variants in BCKDHA cause Maple syrup urine disease type IA (MSUD1A). The variant NM_000709.4:c.639delC, p.(Pro214LeufsTer115) is a single-nucleotide deletion that causes a frameshift and introduces a premature termination codon. This is predicted to result in a truncated or non-functional protein, consistent with the established loss-of-function mechanism of BCKDHA-related disease. This segregation pattern and the predicted severe functional impact support the pathogenicity of this variant and its potential role in MSUD type IA.

Literature cited by the submitters: PubMed 40082840.

NM_000709.4(BCKDHA):c.641del (p.Pro214fs)

Gene: BCKDHA (branched chain keto acid dehydrogenase E1 subunit alpha; plus strand). Cytogenetic location: 19q13.2.
Variant type: Deletion.
Coding change: c.641del on transcript NM_000709.4 (MANE Select); coding-DNA position 641, one base deleted (C; older notation c.641delC).
Protein change: p.Pro214fs; shifts the reading frame from proline 214.
Molecular consequence: frameshift variant.
Genome position (GRCh38, 1-based): chr19:41,419,291, C deleted; the last of 3 consecutive C bases (chr19:41,419,289-41,419,291); deleting any one gives the same sequence. VCF-style (leftmost placement, unchanged base first): chr19-41419288-TC-T. GRCh37 (hg19) VCF-style: chr19-41925193-TC-T.
Other names: c.641del, p.Pro214fs (NM_001164783.2); c.639delC (NM_000709.4); short protein forms P214fs.
Identifiers: ClinVar variation 5043361 (VCV005043361.1).
Genomic context (GRCh38, chr19:41,419,288, plus strand): 5'-TCCACTACGGCTGCAAGGAACGCCACTTCGTCACTATCTCCTCTCCACTGGCCACGCAGA[TC>T]CCTCAGGGTGAGGATGCATGCCCTGTACCTTGCACATGTGCAGACCAATGTCACACCCCT-3'